The following is an entry in ClinVar:

ClinVar aggregate classification (germline): Uncertain significance (1 of 4 stars; one submission).

Submission:

GeneDx
Classification: Uncertain significance. Last evaluated: 2019-05-01. Review status: criteria provided, single submitter. Criteria: GeneDx Variant Classification Process June 2021. Collection method: clinical testing. Allele origin: germline. Affected: yes.
Comment: Not observed in large population cohorts (Lek et al., 2016); In silico analysis, which includes protein predictors and evolutionary conservation, supports that this variant does not alter protein structure/function; Has not been previously published as pathogenic or benign to our knowledge

NM_004239.4(TRIP11):c.4614G>C (p.Lys1538Asn)

Gene: TRIP11 (thyroid hormone receptor interactor 11; minus strand). Cytogenetic location: 14q32.12.
Variant type: single nucleotide variant.
Coding change: c.4614G>C on transcript NM_004239.4 (MANE Select); coding-DNA position 4614, G replaced by C.
Protein change: p.Lys1538Asn; replaces lysine 1538 with asparagine.
Molecular consequence: missense variant.
Genome position (GRCh38, 1-based): chr14:92,000,052, C>G on the plus strand (G>C on the coding strand, the complement: TRIP11 is on the minus strand). VCF-style: chr14-92000052-C-G. GRCh37 (hg19) VCF-style: chr14-92466396-C-G.
Other names: c.4611G>C, p.Lys1537Asn (NM_001321851.1); short protein forms K1537N, K1538N.
Identifiers: ClinVar variation 1316384 (VCV001316384.2), dbSNP rs2140111148, ClinGen allele CA390647140.
Genomic context (GRCh38, chr14:92,000,052, plus strand): 5'-CATTTGTTTTTGTTTCAGGGCCAACATGACTTGGTCTCTCTCCTGTTGAAACACAACTGT[C>G]TTCTCCTGCATTGATTTAACTGCATTTAAAAGCTGATTTAACTCTCCAGTCTTGCCCTTT-3'
Protein context (NP_004230.2, residues 1528-1548): LLNAVKSMQE[Lys1538Asn]TVVFQQERDQ